The following is an entry in ClinVar:

NM_004655.4(AXIN2):c.2102G>T (p.Cys701Phe)

Gene: AXIN2 (axin 2; minus strand). Cytogenetic location: 17q24.1.
Variant type: single nucleotide variant.
Coding change: c.2102G>T on transcript NM_004655.4 (MANE Select); coding-DNA position 2102, G replaced by T.
Protein change: p.Cys701Phe; replaces cysteine 701 with phenylalanine.
Molecular consequence: missense variant.
Genome position (GRCh38, 1-based): chr17:65,536,359, C>A on the plus strand (G>T on the coding strand, the complement: AXIN2 is on the minus strand). VCF-style: chr17-65536359-C-A. GRCh37 (hg19) VCF-style: chr17-63532477-C-A.
Other names: c.2102G>T (LRG_296t1); c.1907G>T, p.Cys636Phe (NM_001363813.1); short protein forms C701F, C636F.
Identifiers: ClinVar variation 422982 (VCV000422982.14), dbSNP rs1060502130, ClinGen allele CA16620562.
Genomic context (GRCh38, chr17:65,536,359, plus strand): 5'-GGACCCTTCACTTCCACTCACCGCTGCTTTGGGGGCTTCGACACCTCAGCTAGCCTGCGA[C>A]AGGCCTCCTCCAGCTGAGCCAGCGTGTTGGGTGGGGTCAGGGGAGGCATCGCAGGGTCCT-3'
Protein context (NP_004646.3, residues 691-711): PNTLAQLEEA[Cys701Phe]RRLAEVSKPP

ClinVar aggregate classification (germline): Uncertain significance. Review status: criteria provided, multiple submitters, no conflicts (2 of 4 stars). 3 submissions from 3 submitters: Uncertain significance (3). Last evaluated 2025-08-05.

Conditions:
Hereditary cancer-predisposing syndrome. Also called: Hereditary neoplastic syndrome; Neoplastic Syndromes, Hereditary; Tumor predisposition; Hereditary Cancer Syndrome. Identifiers: Orphanet 140162, MedGen C0027672, MeSH D009386, MONDO:0015356.
Oligodontia-cancer predisposition syndrome. Also called: TOOTH AGENESIS-COLORECTAL CANCER SYNDROME. Identifiers: Orphanet 300576, MedGen C1837750, MONDO:0012075, OMIM 608615. Disease mechanism: loss of function.

Submissions (3):

Ambry Genetics
Classification: Uncertain significance for Hereditary cancer-predisposing syndrome. Last evaluated: 2025-08-05. Review status: criteria provided, single submitter. Criteria: Ambry Variant Classification Scheme 2023. Collection method: clinical testing. Allele origin: germline.
Comment: The p.C701F variant (also known as c.2102G>T), located in coding exon 7 of the AXIN2 gene, results from a G to T substitution at nucleotide position 2102. The cysteine at codon 701 is replaced by phenylalanine, an amino acid with highly dissimilar properties. This amino acid position is conserved. In addition, this alteration is predicted to be deleterious by in silico analysis. Since supporting evidence is limited at this time, the clinical significance of this alteration remains unclear.

Labcorp Genetics (formerly Invitae), Labcorp
Classification: Uncertain significance for Oligodontia-cancer predisposition syndrome. Last evaluated: 2025-03-16. Review status: criteria provided, single submitter. Criteria: Invitae Variant Classification Sherloc (09022015). Collection method: clinical testing. Allele origin: germline.
Comment: This sequence change replaces cysteine, which is neutral and slightly polar, with phenylalanine, which is neutral and non-polar, at codon 701 of the AXIN2 protein (p.Cys701Phe). This variant is not present in population databases (gnomAD no frequency). This variant has not been reported in the literature in individuals affected with AXIN2-related conditions. ClinVar contains an entry for this variant (Variation ID: 422982). Invitae Evidence Modeling of protein sequence and biophysical properties (such as structural, functional, and spatial information, amino acid conservation, physicochemical variation, residue mobility, and thermodynamic stability) indicates that this missense variant is expected to disrupt AXIN2 protein function with a positive predictive value of 80%. In summary, the available evidence is currently insufficient to determine the role of this variant in disease. Therefore, it has been classified as a Variant of Uncertain Significance.

GeneDx
Classification: Uncertain significance. Last evaluated: 2017-01-03. Review status: criteria provided, single submitter. Criteria: GeneDx Variant Classification (06012015). Collection method: clinical testing. Allele origin: germline. Affected: yes.
Comment: This variant is denoted AXIN2 c.2102G>T at the cDNA level, p.Cys701Phe (C701F) at the protein level, and results in the change of a Cysteine to a Phenylalanine (TGT>TTT). This variant has not, to our knowledge, been published in the literature as pathogenic or benign. AXIN2 Cys701Phe was not observed in approximately 6,500 individuals of European and African American ancestry in the NHLBI Exome Sequencing Project, suggesting it is not a common benign variant in these populations. Since Cysteine and Phenylalanine differ in polarity, charge, size or other properties, this is considered a non-conservative amino acid substitution. AXIN2 Cys701Phe occurs at a position that is conserved in mammals and is located in the Exon 7 mutational hot spot (Salahshor 2005) . In silico analyses predict that this variant is probably damaging to protein structure and function. Based on currently available evidence, it is unclear whether AXIN2 Cys701Phe is a pathogenic or benign variant. We consider it to be a variant of uncertain significance.